The following is an entry in ClinVar:

ClinVar aggregate classification (germline): Conflicting classifications of pathogenicity. Review status: criteria provided, conflicting classifications (1 of 4 stars). 3 submissions from 3 submitters: Likely pathogenic (1); Uncertain significance (1); Likely benign (1). Last evaluated 2026-02-01.

Conditions:
Inborn genetic diseases. Identifiers: MedGen C0950123, MeSH D030342.
Neurodevelopmental disorder with dysmorphic facies and distal skeletal anomalies. Identifiers: MedGen C5231448, MONDO:0032855, OMIM 618659.

Allele frequency attached by ClinVar (database versions not stated): gnomAD 0.00001; TOPMed 0.00001.
gnomAD v4.1: 13 of 1,613,978 alleles (0.00081%); highest among the groups gnomAD compares: East Asian, 0.0022%; no homozygotes.

Submissions (3):

Egypt Genome Project
Classification: Likely pathogenic for Neurodevelopmental disorder with dysmorphic facies and distal skeletal anomalies. Last evaluated: 2026-02-01. Review status: criteria provided, single submitter. Criteria: ACMG Guidelines, 2015. Collection method: research. Allele origin: germline. Affected: yes.
Comment: The NM_020338.3 c.2243G>A is classified as likely pathogenic based on the ACMG/AMP criteria (PM1, PP2, PM2, PP3)

Labcorp Genetics (formerly Invitae), Labcorp
Classification: Likely benign. Last evaluated: 2024-10-24. Review status: criteria provided, single submitter. Criteria: Invitae Variant Classification Sherloc (09022015). Collection method: clinical testing. Allele origin: germline.

Ambry Genetics
Classification: Uncertain significance for Inborn genetic diseases. Last evaluated: 2023-04-19. Review status: criteria provided, single submitter. Criteria: Ambry Variant Classification Scheme 2023. Collection method: clinical testing. Allele origin: germline.

NM_020338.4(ZMIZ1):c.2243G>A (p.Arg748His)

Gene: ZMIZ1 (zinc finger MIZ-type containing 1; plus strand). Cytogenetic location: 10q22.3.
Variant type: single nucleotide variant.
Coding change: c.2243G>A on transcript NM_020338.4 (MANE Select); coding-DNA position 2243, G replaced by A.
Protein change: p.Arg748His; replaces arginine 748 with histidine.
Molecular consequence: missense variant.
Genome position (GRCh38, 1-based): chr10:79,304,132, G>A. VCF-style: chr10-79304132-G-A. GRCh37 (hg19) VCF-style: chr10-81063889-G-A.
Other names: short protein forms R748H.
Identifiers: ClinVar variation 2550252 (VCV002550252.6), dbSNP rs1345500965, ClinGen allele CA377341588.